The following is an entry in ClinVar:

ClinVar aggregate classification (germline): Uncertain significance (1 of 4 stars; one submission).

Conditions:
Cardiovascular phenotype. Identifiers: MedGen CN230736.

Allele frequency attached by ClinVar (database versions not stated): ESP Exome Variant Server 0.00008.
gnomAD v4.1: 1 of 1,614,114 alleles (0.000062%); no homozygotes.

Submission:

Ambry Genetics
Classification: Uncertain significance for Cardiovascular phenotype. Last evaluated: 2020-01-14. Review status: criteria provided, single submitter. Criteria: Ambry Variant Classification Scheme 2023. Collection method: clinical testing. Allele origin: germline.
Comment: The p.L234F variant (also known as c.700C>T), located in coding exon 6 of the GPD1L gene, results from a C to T substitution at nucleotide position 700. The leucine at codon 234 is replaced by phenylalanine, an amino acid with highly similar properties. This amino acid position is highly conserved in available vertebrate species. In addition, this alteration is predicted to be deleterious by in silico analysis. Since supporting evidence is limited at this time, the clinical significance of this alteration remains unclear.

NM_015141.4(GPD1L):c.700C>T (p.Leu234Phe)

Gene: GPD1L (glycerol-3-phosphate dehydrogenase 1 like; plus strand). Cytogenetic location: 3p22.3.
Variant type: single nucleotide variant.
Coding change: c.700C>T on transcript NM_015141.4 (MANE Select); coding-DNA position 700, C replaced by T.
Protein change: p.Leu234Phe; replaces leucine 234 with phenylalanine.
Molecular consequence: missense variant.
Genome position (GRCh38, 1-based): chr3:32,158,957, C>T. VCF-style: chr3-32158957-C-T. GRCh37 (hg19) VCF-style: chr3-32200449-C-T.
Other names: short protein forms L234F.
Identifiers: ClinVar variation 1756669 (VCV001756669.2), dbSNP rs147142794, ClinGen allele CA72530097.
Genomic context (GRCh38, chr3:32,158,957, plus strand): 5'-GGGTTCTGCGACGGCCTCCGCTGTGGAGACAACACCAAAGCGGCCGTCATCCGCCTGGGA[C>T]TCATGGAAATGATTGCTTTTGCCAGGATCTTCTGCAAAGGCCAAGTGTCTACAGCCACCT-3'
Protein context (NP_055956.1, residues 224-244): NTKAAVIRLG[Leu234Phe]MEMIAFARIF